The following is an entry in ClinVar:

ClinVar aggregate classification (germline): Likely pathogenic (1 of 4 stars; one submission).

Conditions:
Hereditary cancer-predisposing syndrome. Also called: Hereditary Cancer Syndrome; Tumor predisposition; Hereditary neoplastic syndrome; Neoplastic Syndromes, Hereditary. Identifiers: Orphanet 140162, MedGen C0027672, MeSH D009386, MONDO:0015356.
Cardiovascular phenotype. Identifiers: MedGen CN230736.

Submission:

Ambry Genetics
Classification: Likely pathogenic for Cardiovascular phenotype; Hereditary cancer-predisposing syndrome. Last evaluated: 2024-09-20. Review status: criteria provided, single submitter. Criteria: Ambry Variant Classification Scheme 2023. Collection method: clinical testing. Allele origin: germline.
Comment: The c.4111-9T>A intronic variant results from a T to A substitution 9 nucleotides upstream from coding exon 31 in the NF1 gene. This nucleotide position is well conserved in available vertebrate species. This variant has been observed in at least one individual with a personal and/or family history that is consistent with Neurofibromatosis type 1 (Ambry internal data). In silico splice site analysis predicts that this alteration will weaken the native splice acceptor site and will result in the creation or strengthening of a novel splice acceptor site. RNA studies have demonstrated that this alteration results in abnormal splicing in the set of samples tested (Ambry internal data). Based on the majority of available evidence to date, this variant is likely to be pathogenic.

NM_001042492.3(NF1):c.4174-9T>A

Gene: NF1 (neurofibromin 1; plus strand). Cytogenetic location: 17q11.2.
Variant type: single nucleotide variant.
Coding change: c.4174-9T>A on transcript NM_001042492.3 (MANE Select); 9 bases into the intron before coding-DNA position 4174, T replaced by A.
Molecular consequence: intron variant.
Genome position (GRCh38, 1-based): chr17:31,258,335, T>A. VCF-style: chr17-31258335-T-A. GRCh37 (hg19) VCF-style: chr17-29585353-T-A.
Other names: c.4111-9T>A (NM_000267.4).
Identifiers: ClinVar variation 3404624 (VCV003404624.1).